The following is an entry in ClinVar:

NM_014915.3(ANKRD26):c.4783A>G (p.Arg1595Gly)

Gene: ANKRD26 (ankyrin repeat domain 26; minus strand). Cytogenetic location: 10p12.1.
Variant type: single nucleotide variant.
Coding change: c.4783A>G on transcript NM_014915.3 (MANE Select); coding-DNA position 4783, A replaced by G.
Protein change: p.Arg1595Gly; replaces arginine 1595 with glycine.
Molecular consequence: missense variant.
Genome position (GRCh38, 1-based): chr10:27,013,052, T>C on the plus strand (A>G on the coding strand, the complement: ANKRD26 is on the minus strand). VCF-style: chr10-27013052-T-C. GRCh37 (hg19) VCF-style: chr10-27301981-T-C.
Other names: c.4780A>G, p.Arg1594Gly (NM_001256053.2); short protein forms R1594G, R1595G.
Identifiers: ClinVar variation 4579150 (VCV004579150.1).

ClinVar aggregate classification (germline): Uncertain significance (1 of 4 stars; one submission).

Conditions:
Inborn genetic diseases. Identifiers: MedGen C0950123, MeSH D030342.

gnomAD v4.1: 1 of 1,613,966 alleles (0.000062%); highest among the groups gnomAD compares: Non-Finnish European, 0.000085%; no homozygotes.

Submission:

Ambry Genetics
Classification: Uncertain significance for Inborn genetic diseases. Last evaluated: 2025-10-05. Review status: criteria provided, single submitter. Criteria: Ambry Variant Classification Scheme 2023. Collection method: clinical testing. Allele origin: germline.
Comment: The p.R1595G variant (also known as c.4783A>G), located in coding exon 32 of the ANKRD26 gene, results from an A to G substitution at nucleotide position 4783. The arginine at codon 1595 is replaced by glycine, an amino acid with dissimilar properties. This amino acid position is conserved. In addition, this alteration is predicted to be tolerated by in silico analysis. Based on the available evidence, the clinical significance of this variant remains unclear.